The following is an entry in ClinVar:

NM_000070.3(CAPN3):c.2231G>A (p.Ser744Asn)

Gene: CAPN3 (calpain 3; plus strand). Cytogenetic location: 15q15.1.
Variant type: single nucleotide variant.
Coding change: c.2231G>A on transcript NM_000070.3 (MANE Select); coding-DNA position 2231, G replaced by A.
Protein change: p.Ser744Asn; replaces serine 744 with asparagine.
Molecular consequence: missense variant.
Genome position (GRCh38, 1-based): chr15:42,410,634, G>A. VCF-style: chr15-42410634-G-A. GRCh37 (hg19) VCF-style: chr15-42702832-G-A.
Other names: c.2213G>A, p.Ser738Asn (NM_024344.2); c.1955G>A, p.Ser652Asn (NM_173087.2); c.695G>A, p.Ser232Asn (NM_173088.2); c.236G>A, p.Ser79Asn (NM_173089.2, NM_173090.2); short protein forms S79N, S652N, S738N, S744N, S232N.
Identifiers: ClinVar variation 1365052 (VCV001365052.8), dbSNP rs886044480, ClinGen allele CA392001871.
Genomic context (GRCh38, chr15:42,410,634, plus strand): 5'-TTTTCTATTGCCAGAAAATTTTCAAACACTATGACACAGACCAGTCCGGCACCATCAACA[G>A]CTACGAGATGCGAAATGCAGTCAACGACGCAGGTGCTGAGAAGGAAGGGGTGGCAGGGAT-3'
Protein context (NP_000061.1, residues 734-754): YDTDQSGTIN[Ser744Asn]YEMRNAVNDA

ClinVar aggregate classification (germline): Uncertain significance (1 of 4 stars; one submission).

Conditions:
Autosomal recessive limb-girdle muscular dystrophy type 2A (LGMDR1). Also called: Calpainopathy; LEYDEN-MOEBIUS MUSCULAR DYSTROPHY; MUSCULAR DYSTROPHY, PELVOFEMORAL; Limb-girdle muscular dystrophy, type 2A; Muscular dystrophy, limb-girdle, type 2A, Amish. Identifiers: Orphanet 267, MedGen C1869123, MONDO:0009675, OMIM 253600. Disease mechanism: loss of function.

Submission:

Labcorp Genetics (formerly Invitae), Labcorp
Classification: Uncertain significance for Autosomal recessive limb-girdle muscular dystrophy type 2A. Last evaluated: 2022-12-02. Review status: criteria provided, single submitter. Criteria: Invitae Variant Classification Sherloc (09022015). Collection method: clinical testing. Allele origin: germline.
Comment: In summary, the available evidence is currently insufficient to determine the role of this variant in disease. Therefore, it has been classified as a Variant of Uncertain Significance. This variant disrupts the p.Ser744 amino acid residue in CAPN3. Other variant(s) that disrupt this residue have been determined to be pathogenic (PMID: 7720071, 8624690, 9655129). This suggests that this residue is clinically significant, and that variants that disrupt this residue are likely to be disease-causing. Advanced modeling of protein sequence and biophysical properties (such as structural, functional, and spatial information, amino acid conservation, physicochemical variation, residue mobility, and thermodynamic stability) has been performed at Invitae for this missense variant, however the output from this modeling did not meet the statistical confidence thresholds required to predict the impact of this variant on CAPN3 protein function. ClinVar contains an entry for this variant (Variation ID: 1365052). This variant has not been reported in the literature in individuals affected with CAPN3-related conditions. This variant is not present in population databases (gnomAD no frequency). This sequence change replaces serine, which is neutral and polar, with asparagine, which is neutral and polar, at codon 744 of the CAPN3 protein (p.Ser744Asn).

Literature cited by the submitters: PubMed 7720071; PubMed 8624690; PubMed 9655129.